The following is an entry in ClinVar:

ClinVar aggregate classification (germline): Uncertain significance (1 of 4 stars; one submission).

Conditions:
Charcot-Marie-Tooth disease type 2E (CMT2E). Also called: CHARCOT-MARIE-TOOTH NEUROPATHY, TYPE 2E; CHARCOT-MARIE-TOOTH DISEASE, AXONAL, TYPE 2E. Identifiers: Orphanet 99939, MedGen C1843225, MONDO:0011894, OMIM 607684.

Allele frequency attached by ClinVar (database versions not stated): gnomAD exomes below 0.00001; ExAC 0.00001; gnomAD 0.00001; 1000 Genomes Project 0.00020; 1000 Genomes Project 30x 0.00031.

Submission:

Labcorp Genetics (formerly Invitae), Labcorp
Classification: Uncertain significance for Charcot-Marie-Tooth disease type 2E. Last evaluated: 2020-01-22. Review status: criteria provided, single submitter. Criteria: Invitae Variant Classification Sherloc (09022015). Collection method: clinical testing. Allele origin: germline.
Comment: This sequence change replaces alanine with valine at codon 205 of the NEFL protein (p.Ala205Val). The alanine residue is highly conserved and there is a small physicochemical difference between alanine and valine. This variant is present in population databases (rs556617527, ExAC 0.006%). This variant has not been reported in the literature in individuals with NEFL-related conditions. Algorithms developed to predict the effect of missense changes on protein structure and function are either unavailable or do not agree on the potential impact of this missense change (SIFT: "Deleterious"; PolyPhen-2: "Not Available"; Align-GVGD: "Class C0"). In summary, the available evidence is currently insufficient to determine the role of this variant in disease. Therefore, it has been classified as a Variant of Uncertain Significance.

NM_006158.5(NEFL):c.614C>T (p.Ala205Val)

Gene: NEFL (neurofilament light chain; minus strand). Cytogenetic location: 8p21.2.
Variant type: single nucleotide variant.
Coding change: c.614C>T on transcript NM_006158.5 (MANE Select); coding-DNA position 614, C replaced by T.
Protein change: p.Ala205Val; replaces alanine 205 with valine.
Molecular consequence: missense variant.
Genome position (GRCh38, 1-based): chr8:24,955,902, G>A on the plus strand (C>T on the coding strand, the complement: NEFL is on the minus strand). VCF-style: chr8-24955902-G-A. GRCh37 (hg19) VCF-style: chr8-24813416-G-A.
Other names: short protein forms A205V.
Identifiers: ClinVar variation 968529 (VCV000968529.5), dbSNP rs556617527, ClinGen allele CA4681466.